The following is an entry in ClinVar:

ClinVar aggregate classification (germline): Pathogenic. Review status: criteria provided, multiple submitters, no conflicts (2 of 4 stars). 2 submissions from 2 submitters: Pathogenic (2). Last evaluated 2024-04-22.

Conditions:
Hereditary cancer-predisposing syndrome. Also called: Hereditary Cancer Syndrome; Neoplastic Syndromes, Hereditary; Tumor predisposition; Hereditary neoplastic syndrome. Identifiers: Orphanet 140162, MedGen C0027672, MeSH D009386, MONDO:0015356.
Ataxia-telangiectasia syndrome (AT). Also called: Ataxia-telangiectasia, complementation group D; AT, COMPLEMENTATION GROUP C; Ataxia-telangiectasia; ATAXIA-TELANGIECTASIA, COMPLEMENTATION GROUP A; ATAXIA-TELANGIECTASIA, FRESNO VARIANT; LOUIS-BAR SYNDROME. Identifiers: Orphanet 100, MedGen C0004135, MONDO:0008840, OMIM 208900.

Submissions (2):

Labcorp Genetics (formerly Invitae), Labcorp
Classification: Pathogenic for Ataxia-telangiectasia syndrome. Last evaluated: 2024-04-22. Review status: criteria provided, single submitter. Criteria: Invitae Variant Classification Sherloc (09022015). Collection method: clinical testing. Allele origin: germline.
Comment: This sequence change creates a premature translational stop signal (p.Met753Asnfs*12) in the ATM gene. It is expected to result in an absent or disrupted protein product. Loss-of-function variants in ATM are known to be pathogenic (PMID: 23807571, 25614872). This variant is not present in population databases (gnomAD no frequency). This variant has not been reported in the literature in individuals affected with ATM-related conditions. ClinVar contains an entry for this variant (Variation ID: 631418). For these reasons, this variant has been classified as Pathogenic.

Color Diagnostics, LLC DBA Color Health
Classification: Pathogenic for Hereditary cancer-predisposing syndrome. Last evaluated: 2020-05-13. Review status: criteria provided, single submitter. Criteria: ACMG Guidelines, 2015. Collection method: clinical testing. Allele origin: germline.
Comment: This variant inserts 1 nucleotide in exon 15 of the ATM gene, creating a frameshift and premature translation stop signal. This variant is expected to result in an absent or non-functional protein product. To our knowledge, this variant has not been reported in individuals affected with hereditary cancer in the literature. This variant has not been identified in the general population by the Genome Aggregation Database (gnomAD). Loss of ATM function is a known mechanism of disease. Based on the available evidence, this variant is classified as Pathogenic.

Literature cited by the submitters: PubMed 23807571 (cited by Labcorp Genetics (formerly Invitae), Labcorp); PubMed 25614872 (cited by Labcorp Genetics (formerly Invitae), Labcorp).

NM_000051.4(ATM):c.2255dup (p.Met753fs)

Gene: ATM (ATM serine/threonine kinase; plus strand). Cytogenetic location: 11q22.3.
Variant type: Duplication.
Coding change: c.2255dup on transcript NM_000051.4 (MANE Select); coding-DNA position 2255, one base duplicated (T; older notation c.2255dupT).
Protein change: p.Met753fs; shifts the reading frame from methionine 753.
Molecular consequence: frameshift variant.
Genome position (GRCh38, 1-based): chr11:108,257,485, T duplicated. VCF-style (leftmost placement, unchanged base first): chr11-108257484-C-CT. GRCh37 (hg19) VCF-style: chr11-108128211-C-CT.
Other names: c.2255dupT (NM_000051.3); c.2255dup, p.Met753fs (NM_001351834.2); short protein forms M753fs.
Identifiers: ClinVar variation 631418 (VCV000631418.6), dbSNP rs1565396965, ClinGen allele CA913188483.
Genomic context (GRCh38, chr11:108,257,484, plus strand): 5'-GCAATACTAAACTATAATTTTAACTGGAATTTGCATTTTTCCTTCTATTCACAATAGTCT[C>CT]TAATGCAATGTGCAGGAGAAAGTATCACTCTGTTTAAAAATAAGACAAATGAGGAATTCA-3'